The following is an entry in ClinVar:

ClinVar aggregate classification (germline): Uncertain significance (1 of 4 stars; one submission).

Submission:

Labcorp Genetics (formerly Invitae), Labcorp
Classification: Uncertain significance. Last evaluated: 2024-02-02. Review status: criteria provided, single submitter. Criteria: Invitae Variant Classification Sherloc (09022015). Collection method: clinical testing. Allele origin: germline.
Comment: This sequence change replaces glutamine, which is neutral and polar, with arginine, which is basic and polar, at codon 1473 of the DUOX2 protein (p.Gln1473Arg). This variant is not present in population databases (gnomAD no frequency). This variant has not been reported in the literature in individuals affected with DUOX2-related conditions. Advanced modeling of protein sequence and biophysical properties (such as structural, functional, and spatial information, amino acid conservation, physicochemical variation, residue mobility, and thermodynamic stability) performed at Invitae indicates that this missense variant is expected to disrupt DUOX2 protein function with a positive predictive value of 95%. In summary, the available evidence is currently insufficient to determine the role of this variant in disease. Therefore, it has been classified as a Variant of Uncertain Significance.

NM_001363711.2(DUOX2):c.4418A>G (p.Gln1473Arg)

Gene: DUOX2 (dual oxidase 2; minus strand). Cytogenetic location: 15q21.1.
Variant type: single nucleotide variant.
Coding change: c.4418A>G on transcript NM_001363711.2 (MANE Select); coding-DNA position 4418, A replaced by G.
Protein change: p.Gln1473Arg; replaces glutamine 1473 with arginine.
Molecular consequence: missense variant.
Genome position (GRCh38, 1-based): chr15:45,094,669, T>C on the plus strand (A>G on the coding strand, the complement: DUOX2 is on the minus strand). VCF-style: chr15-45094669-T-C. GRCh37 (hg19) VCF-style: chr15-45386867-T-C.
Other names: c.4418A>G, p.Gln1473Arg (NM_014080.5); short protein forms Q1473R.
Identifiers: ClinVar variation 3636595 (VCV003636595.2).